The following is an entry in ClinVar:

NM_017739.4(POMGNT1):c.751+3G>A

Genes: POMGNT1 (protein O-linked mannose N-acetylglucosaminyltransferase 1 (beta 1,2-); minus strand), TSPAN1 (tetraspanin 1; plus strand). Cytogenetic location: 1p34.1.
Variant type: single nucleotide variant.
Coding change: c.751+3G>A on transcript NM_017739.4 (MANE Select); 3 bases into the intron after coding-DNA position 751, G replaced by A.
Molecular consequence: intron variant.
Genome position (GRCh38, 1-based): chr1:46,194,550, C>T on the plus strand (G>A on the coding strand, the complement: POMGNT1 is on the minus strand). VCF-style: chr1-46194550-C-T. GRCh37 (hg19) VCF-style: chr1-46660222-C-T.
Other names: c.751+3G>A (NM_001243766.2, NM_001438686.1, NM_001438688.1 and 3 more transcripts); c.685+3G>A (NM_001290129.3, NM_001438691.1, NM_001438692.1); c.322+3G>A (NM_001290130.2).
Identifiers: ClinVar variation 2006248 (VCV002006248.3), dbSNP rs2525427545, ClinGen allele CA2580062975.
Genomic context (GRCh38, chr1:46,194,550, plus strand): 5'-AGAGAGATCTAAATGCCCACCCCCAGCCCAGGCCCTGCCCCATCCATGCTCCACTAACTC[C>T]ACCTTCTGCTGAGCTCAATGGCACATCTGTCTTCAGCAGGACTGGGTCCCCCCAGGAAGA-3'

ClinVar aggregate classification (germline): Uncertain significance (1 of 4 stars; one submission).

Conditions:
Autosomal recessive limb-girdle muscular dystrophy type 2O. Also called: Limb-Girdle Muscular Dystrophy Type 3C; MUSCULAR DYSTROPHY-DYSTROGLYCANOPATHY (LIMB-GIRDLE), TYPE C, 3; MUSCULAR DYSTROPHY-DYSTROGLYCANOPATHY, LIMB-GIRDLE, POMGNT1-RELATED. Identifiers: Orphanet 206564, MedGen C3150417, MONDO:0013161, OMIM 613157.
Muscular dystrophy-dystroglycanopathy (congenital with impaired intellectual development), type B, 3. Also called: MUSCULAR DYSTROPHY, CONGENITAL, POMGNT1-RELATED; Muscular dystrophy-dystroglycanopathy (congenital with intellectual disability), type B3. Identifiers: MedGen C3150412, MONDO:0013155, OMIM 613151.

Allele frequency attached by ClinVar (database versions not stated): gnomAD exomes below 0.00001.
gnomAD v4.1: 1 of 1,614,148 alleles (0.000062%); highest among the groups gnomAD compares: Non-Finnish European, 0.000085%; no homozygotes.

Submission:

Labcorp Genetics (formerly Invitae), Labcorp
Classification: Uncertain significance for Autosomal recessive limb-girdle muscular dystrophy type 2O; Muscular dystrophy-dystroglycanopathy (congenital with impaired intellectual development), type B, 3. Last evaluated: 2022-06-14. Review status: criteria provided, single submitter. Criteria: Invitae Variant Classification Sherloc (09022015). Collection method: clinical testing. Allele origin: germline.
Comment: In summary, the available evidence is currently insufficient to determine the role of this variant in disease. Therefore, it has been classified as a Variant of Uncertain Significance. Variants that disrupt the consensus splice site are a relatively common cause of aberrant splicing (PMID: 17576681, 9536098). Algorithms developed to predict the effect of sequence changes on RNA splicing suggest that this variant is not likely to affect RNA splicing. This variant has not been reported in the literature in individuals affected with POMGNT1-related conditions. This variant is not present in population databases (gnomAD no frequency). This sequence change falls in intron 8 of the POMGNT1 gene. It does not directly change the encoded amino acid sequence of the POMGNT1 protein. It affects a nucleotide within the consensus splice site.

Literature cited by the submitters: PubMed 17576681; PubMed 9536098.